The following is an entry in ClinVar:

ClinVar aggregate classification (germline): Uncertain significance (1 of 4 stars; one submission).

Conditions:
Episodic kinesigenic dyskinesia (EKD). Also called: Paroxysmal kinesigenic dyskinesia. Identifiers: Orphanet 98809, MedGen C1868682, MONDO:0044202.

Allele frequency attached by ClinVar (database versions not stated): TOPMed below 0.00001.

Submission:

Labcorp Genetics (formerly Invitae), Labcorp
Classification: Uncertain significance for Episodic kinesigenic dyskinesia. Last evaluated: 2023-12-01. Review status: criteria provided, single submitter. Criteria: Invitae Variant Classification Sherloc (09022015). Collection method: clinical testing. Allele origin: germline.
Comment: This sequence change replaces cysteine, which is neutral and slightly polar, with tyrosine, which is neutral and polar, at codon 99 of the PRRT2 protein (p.Cys99Tyr). This variant is present in population databases (no rsID available, gnomAD no frequency). This variant has not been reported in the literature in individuals affected with PRRT2-related conditions. ClinVar contains an entry for this variant (Variation ID: 849018). Advanced modeling of protein sequence and biophysical properties (such as structural, functional, and spatial information, amino acid conservation, physicochemical variation, residue mobility, and thermodynamic stability) performed at Invitae indicates that this missense variant is not expected to disrupt PRRT2 protein function with a negative predictive value of 95%. In summary, the available evidence is currently insufficient to determine the role of this variant in disease. Therefore, it has been classified as a Variant of Uncertain Significance.

NM_145239.3(PRRT2):c.296G>A (p.Cys99Tyr)

Genes: MVP-DT (MVP divergent transcript; minus strand), PRRT2 (proline rich transmembrane protein 2; plus strand). Cytogenetic location: 16p11.2.
Variant type: single nucleotide variant.
Coding change: c.296G>A on transcript NM_145239.3 (MANE Select); coding-DNA position 296, G replaced by A.
Protein change: p.Cys99Tyr; replaces cysteine 99 with tyrosine.
Molecular consequence: missense variant.
Genome position (GRCh38, 1-based): chr16:29,813,350, G>A. VCF-style: chr16-29813350-G-A. GRCh37 (hg19) VCF-style: chr16-29824671-G-A.
Other names: c.296G>A, p.Cys99Tyr (NM_001256442.2, NM_001256443.2); short protein forms C99Y.
Identifiers: ClinVar variation 849018 (VCV000849018.10), dbSNP rs780627568, ClinGen allele CA395478063.
Genomic context (GRCh38, chr16:29,813,350, plus strand): 5'-CAGAAACAGCCCAGGCCACAGACCTCAGCTTAAGCCCAGGAGGGGAATCAAAGGCCAACT[G>A]CAGCCCCGAAGACCCATGCCAAGAAACAGTGTCCAAACCAGAAGTGAGCAAAGAGGCCAC-3'
Protein context (NP_660282.2, residues 89-109): LSPGGESKAN[Cys99Tyr]SPEDPCQETV